The following is an entry in ClinVar:

ClinVar aggregate classification (germline): Pathogenic/Likely pathogenic. Review status: criteria provided, multiple submitters, no conflicts (2 of 4 stars). 2 submissions from 2 submitters: Pathogenic (1); Likely pathogenic (1). Last evaluated 2024-08-20.

Conditions:
HYPERHOMOCYSTEINEMIA, THROMBOTIC, CBS-RELATED. Identifiers: MedGen C3150344, OMIM 236200.
Classic homocystinuria. Also called: Homocystinuria due to CBS deficiency; Cystathionine beta-synthase deficiency; CBS deficiency; Homocystinuria due to Cystathionine Beta-Synthase Deficiency; HOMOCYSTINURIA WITH OR WITHOUT RESPONSE TO PYRIDOXINE. Identifiers: Orphanet 394, MedGen C0751202, MONDO:0009352, OMIM 236200.

Submissions (2):

Natera, Inc.
Classification: Likely pathogenic for Homocystinuria due to cystathionine beta-synthase deficiency. Last evaluated: 2024-08-20. Review status: criteria provided, single submitter. Criteria: Natera Variant Classification Schema (03/2026). Collection method: clinical testing. Allele origin: germline.
Comment: The c.740_769del variant in CBS is an in-frame deletion. This variant is expected to result in nonsense mediated decay, truncation, or a dysfunctional protein product. This variant is rare in the general population with a frequency below the threshold expected for the associated phenotype(s). This variant has been observed in one or more individuals affected with the associated recessive disease, as either homozygous or compound heterozygous with a second variant (PMID: 15365998). Given the available evidence, this variant is classified as Likely Pathogenic.

Labcorp Genetics (formerly Invitae), Labcorp
Classification: Pathogenic for HYPERHOMOCYSTEINEMIA, THROMBOTIC, CBS-RELATED. Last evaluated: 2023-06-23. Review status: criteria provided, single submitter. Criteria: Invitae Variant Classification Sherloc (09022015). Collection method: clinical testing. Allele origin: germline.
Comment: This variant, c.740_769del, results in the deletion of 10 amino acid(s) of the CBS protein (p.Lys247_Gly256del), but otherwise preserves the integrity of the reading frame. This variant disrupts a region of the CBS protein in which other variant(s) (p.Gly256Ser) have been determined to be pathogenic (Invitae). This suggests that this is a clinically significant region of the protein, and that variants that disrupt it are likely to be disease-causing. Algorithms developed to predict the effect of sequence changes on RNA splicing suggest that this variant may disrupt the consensus splice site. This variant has been observed in individual(s) with cystathionine beta-synthase (CBS) deficiency (PMID: 15365998). This variant is not present in population databases (gnomAD no frequency). For these reasons, this variant has been classified as Pathogenic.

Literature cited by the submitters: PubMed 15365998 (cited by Natera, Inc. and Labcorp Genetics (formerly Invitae), Labcorp).

NM_000071.3(CBS):c.740_769del (p.Lys247_Gly256del)

Gene: CBS (cystathionine beta-synthase; minus strand). Cytogenetic location: 21q22.3.
Variant type: Deletion.
Coding change: c.740_769del on transcript NM_000071.3 (MANE Select); coding-DNA positions 740 to 769, 30 bases deleted (AGCTGGACATGCTGGTGGCTTCAGTGGGCA).
Protein change: p.Lys247_Gly256del.
Molecular consequence: inframe deletion. On other transcripts: inframe indel (1).
Genome position (GRCh38, 1-based): chr21:43,063,959-43,063,988, TGCCCACTGAAGCCACCAGCATGTCCAGCT deleted on the plus strand (AGCTGGACATGCTGGTGGCTTCAGTGGGCA on the coding strand, the reverse complement: CBS is on the minus strand); deleting any 30 consecutive bases within chr21:43,063,959-43,063,989 gives the same sequence; the c. name uses the placement nearest the transcript's 3' end. VCF-style (leftmost placement, unchanged base first): chr21-43063958-GTGCCCACTGAAGCCACCAGCATGTCCAGCT-G. GRCh37 (hg19) VCF-style: chr21-44484068-GTGCCCACTGAAGCCACCAGCATGTCCAGCT-G.
Other names: c.739_768del30, p.Lys247_Gly256del (NM_000071.2); c.740_769del, p.Lys247_Gly256del (NM_001178008.3, NM_001178009.3, NM_001320298.2); c.425_454del, p.Lys142_Gly151del (NM_001321072.1); c.740_769del (NM_000071.2).
Identifiers: ClinVar variation 2721240 (VCV002721240.4), dbSNP rs2517436960, ClinGen allele CA2695230222.